The following is an entry in ClinVar:

ClinVar aggregate classification (germline): Uncertain significance (1 of 4 stars; one submission).

gnomAD v4.1: 14 of 1,613,130 alleles (0.00087%); highest among the groups gnomAD compares: South Asian, 0.0099%; no homozygotes.

Submission:

Labcorp Genetics (formerly Invitae), Labcorp
Classification: Uncertain significance. Last evaluated: 2025-06-27. Review status: criteria provided, single submitter. Criteria: Invitae Variant Classification Sherloc (09022015). Collection method: clinical testing. Allele origin: germline.
Comment: This sequence change replaces arginine, which is basic and polar, with glutamine, which is neutral and polar, at codon 320 of the ANKZF1 protein (p.Arg320Gln). This variant is present in population databases (rs754451764, gnomAD 0.01%). This variant has not been reported in the literature in individuals affected with ANKZF1-related conditions. An algorithm developed to predict the effect of missense changes on protein structure and function (PolyPhen-2) suggests that this variant is likely to be disruptive. In summary, the available evidence is currently insufficient to determine the role of this variant in disease. Therefore, it has been classified as a Variant of Uncertain Significance.

NM_018089.3(ANKZF1):c.959G>A (p.Arg320Gln)

Gene: ANKZF1 (ankyrin repeat and zinc finger peptidyl tRNA hydrolase 1; plus strand). Cytogenetic location: 2q35.
Variant type: single nucleotide variant.
Coding change: c.959G>A on transcript NM_018089.3 (MANE Select); coding-DNA position 959, G replaced by A.
Protein change: p.Arg320Gln; replaces arginine 320 with glutamine.
Molecular consequence: missense variant.
Genome position (GRCh38, 1-based): chr2:219,233,854, G>A. VCF-style: chr2-219233854-G-A. GRCh37 (hg19) VCF-style: chr2-220098576-G-A.
Other names: c.959G>A, p.Arg320Gln (NM_001042410.2); c.329G>A, p.Arg110Gln (NM_001282792.2); short protein forms R110Q, R320Q.
Identifiers: ClinVar variation 4695310 (VCV004695310.1).